The following is an entry in ClinVar:

ClinVar aggregate classification (germline): Pathogenic (1 of 4 stars; one submission).

Conditions:
Methylmalonic aciduria, cblA type (MACA). Also called: Methylmalonic aciduria, vitamin b12-responsive, due to defect in synthesis of adenosylcobalamin, cbla complementation type; MMA cbl A type; Methylmalonic acidemia cblA type; Vitamin B12-responsive methylmalonic acidemia type cblA; Methylmalonic aciduria, vitamin B12-responsive. Identifiers: Orphanet 28, Orphanet 79310, MedGen C1855109, MONDO:0009613, OMIM 251100.

Submission:

Labcorp Genetics (formerly Invitae), Labcorp
Classification: Pathogenic for Methylmalonic aciduria, cblA type. Last evaluated: 2023-09-29. Review status: criteria provided, single submitter. Criteria: Invitae Variant Classification Sherloc (09022015). Collection method: clinical testing. Allele origin: germline.
Comment: For these reasons, this variant has been classified as Pathogenic. This variant disrupts a region of the MMAA protein in which other variant(s) (p.His382Profs*24) have been determined to be pathogenic (PMID: 33453710; Invitae). This suggests that this is a clinically significant region of the protein, and that variants that disrupt it are likely to be disease-causing. This variant has not been reported in the literature in individuals affected with MMAA-related conditions. This variant is not present in population databases (gnomAD no frequency). This sequence change creates a premature translational stop signal (p.Val375Glyfs*2) in the MMAA gene. While this is not anticipated to result in nonsense mediated decay, it is expected to disrupt the last 44 amino acid(s) of the MMAA protein.

Literature cited by the submitters: PubMed 33453710.

NM_172250.3(MMAA):c.1124del (p.Val375fs)

Gene: MMAA (metabolism of cobalamin associated A; plus strand). Cytogenetic location: 4q31.21.
Variant type: Deletion.
Coding change: c.1124del on transcript NM_172250.3 (MANE Select); coding-DNA position 1124, one base deleted (T; older notation c.1124delT).
Protein change: p.Val375fs; shifts the reading frame from valine 375.
Molecular consequence: frameshift variant.
Genome position (GRCh38, 1-based): chr4:145,655,301, T deleted. VCF-style (leftmost placement, unchanged base first): chr4-145655300-GT-G. GRCh37 (hg19) VCF-style: chr4-146576452-GT-G.
Other names: c.1124del, p.Val375fs (NM_001375644.1); short protein forms V375fs.
Identifiers: ClinVar variation 2764322 (VCV002764322.3), dbSNP rs2546345956, ClinGen allele CA2697546949.